The following is an entry in ClinVar:

NM_004371.4(COPA):c.1287A>C (p.Leu429=)

Gene: COPA (coat protein complex I subunit alpha; minus strand). Cytogenetic location: 1q23.2.
Variant type: single nucleotide variant.
Coding change: c.1287A>C on transcript NM_004371.4 (MANE Select); coding-DNA position 1287, A replaced by C.
Protein change: p.Leu429=; no amino-acid change (leucine 429 retained).
Molecular consequence: synonymous variant.
Genome position (GRCh38, 1-based): chr1:160,307,178, T>G on the plus strand (A>C on the coding strand, the complement: COPA is on the minus strand). VCF-style: chr1-160307178-T-G. GRCh37 (hg19) VCF-style: chr1-160276968-T-G.
Other names: p.Leu429=; c.1287A>C, p.Leu429= (NM_001098398.2).
Identifiers: ClinVar variation 4683718 (VCV004683718.1).
Genomic context (GRCh38, chr1:160,307,178, plus strand): 5'-CCACCACACTCCCCAAATTAGTTTCTGCTTTTAGTCTTAACTCACCGAATGCATCCGATC[T>G]AGGACAGCAAACCGATTTCGAGCGACCCAAACGGCTGTCAGGCCTGAGGATCGTTTCCCT-3'
Protein context (NP_004362.2, residues 419-439): VWVARNRFAV[Leu429=]DRMHSLLIKN

ClinVar aggregate classification (germline): Likely benign (1 of 4 stars; one submission).

gnomAD v4.1: 5 of 1,614,172 alleles (0.00031%); highest among the groups gnomAD compares: Non-Finnish European, 0.00042%; no homozygotes.

Submission:

Mayo Clinic Laboratories, Mayo Clinic
Classification: Likely benign. Last evaluated: 2025-04-23. Review status: criteria provided, single submitter. Criteria: ACMG Guidelines, 2015. Collection method: clinical testing. Allele origin: germline. Observed: 1 variant allele.
Comment: BP4, BP7, PM2_supporting